The following is an entry in ClinVar:

ClinVar aggregate classification (germline): Likely benign (1 of 4 stars; one submission).

Conditions:
Long QT syndrome (LQTS). Identifiers: MedGen C0023976, MeSH D008133, MONDO:0002442. Disease mechanism: loss of function. Inheritance: Various modes of inheritance.

Allele frequency attached by ClinVar (database versions not stated): gnomAD exomes below 0.00001.
gnomAD v4.1: 2 of 1,578,242 alleles (0.00013%); highest among the groups gnomAD compares: Admixed American, 0.0018%; no homozygotes.

Submission:

All of Us Research Program, National Institutes of Health
Classification: Likely benign for Long QT syndrome. Last evaluated: 2023-09-17. Review status: criteria provided, single submitter. Criteria: ACMG Guidelines, 2015. Collection method: clinical testing. Allele origin: germline. Inheritance: Autosomal dominant inheritance. Observed: 1 variant allele, 1 heterozygote.
Comment: This study involves interpretation of variants in research participants for the purpose of population health screening. Participant phenotype was not available at the time of variant classification. Additional details can be found in publication PMID: 35346344, PMCID: PMC8962531

NM_000218.3(KCNQ1):c.1896A>G (p.Arg632=)

Genes: KCNQ1 (potassium voltage-gated channel subfamily Q member 1; plus strand), KCNQ1-AS1 (KCNQ1 antisense RNA 1; minus strand). Cytogenetic location: 11p15.4.
Variant type: single nucleotide variant.
Coding change: c.1896A>G on transcript NM_000218.3 (MANE Select); coding-DNA position 1896, A replaced by G.
Protein change: p.Arg632=; no amino-acid change (arginine 632 retained).
Molecular consequence: synonymous variant.
Genome position (GRCh38, 1-based): chr11:2,847,868, A>G. VCF-style: chr11-2847868-A-G. GRCh37 (hg19) VCF-style: chr11-2869098-A-G.
Other names: c.1800A>G, p.Arg600= (NM_001406836.1); c.1626A>G, p.Arg542= (NM_001406837.1); c.1356A>G, p.Arg452= (NM_001406838.1); c.408A>G, p.Arg136= (NM_001406839.1); c.1515A>G, p.Arg505= (NM_181798.2).
Identifiers: ClinVar variation 3073416 (VCV003073416.1), dbSNP rs1365502813, ClinGen allele CA472466588.